The following is an entry in ClinVar:

ClinVar aggregate classification (germline): Uncertain significance. Review status: criteria provided, multiple submitters, no conflicts (2 of 4 stars). 4 submissions from 4 submitters: Uncertain significance (4). Last evaluated 2024-05-06.

Conditions:
Van Maldergem syndrome 2 (VMLDS2). Identifiers: Orphanet 314679, MedGen C3809875, MONDO:0014242, OMIM 615546.
Hennekam lymphangiectasia-lymphedema syndrome 2 (HKLLS2). Identifiers: Orphanet 2136, MedGen C4014939, MONDO:0014454, OMIM 616006.
Inborn genetic diseases. Identifiers: MedGen C0950123, MeSH D030342.

Allele frequency attached by ClinVar (database versions not stated): TOPMed 0.00004; gnomAD 0.00005 and 0.00006.

Submissions (4):

Fulgent Genetics
Classification: Uncertain significance for Van Maldergem syndrome 2; Hennekam lymphangiectasia-lymphedema syndrome 2. Last evaluated: 2024-05-06. Review status: criteria provided, single submitter. Criteria: ACMG Guidelines, 2015. Collection method: clinical testing. Allele origin: germline.

Ambry Genetics
Classification: Uncertain significance for Inborn genetic diseases. Last evaluated: 2022-11-03. Review status: criteria provided, single submitter. Criteria: Ambry Variant Classification Scheme 2023. Collection method: clinical testing. Allele origin: germline.

Labcorp Genetics (formerly Invitae), Labcorp
Classification: Uncertain significance. Last evaluated: 2022-08-31. Review status: criteria provided, single submitter. Criteria: Invitae Variant Classification Sherloc (09022015). Collection method: clinical testing. Allele origin: germline.
Comment: This sequence change replaces arginine, which is basic and polar, with histidine, which is basic and polar, at codon 430 of the FAT4 protein (p.Arg430His). This variant is present in population databases (rs774644392, gnomAD 0.007%). This variant has not been reported in the literature in individuals affected with FAT4-related conditions. ClinVar contains an entry for this variant (Variation ID: 1215545). Advanced modeling of protein sequence and biophysical properties (such as structural, functional, and spatial information, amino acid conservation, physicochemical variation, residue mobility, and thermodynamic stability) performed at Invitae indicates that this missense variant is not expected to disrupt FAT4 protein function. In summary, the available evidence is currently insufficient to determine the role of this variant in disease. Therefore, it has been classified as a Variant of Uncertain Significance.

GeneDx
Classification: Uncertain significance. Last evaluated: 2018-09-20. Review status: criteria provided, single submitter. Criteria: GeneDx Variant Classification Process June 2021. Collection method: clinical testing. Allele origin: germline. Affected: yes.
Comment: Not observed at a significant frequency in large population cohorts (Lek et al., 2016; McVean et al., 2012; Exome Variant Server); In silico analysis, which includes protein predictors and evolutionary conservation, supports that this variant does not alter protein structure/function; Has not been previously published as pathogenic or benign to our knowledge

NM_001291303.3(FAT4):c.1289G>A (p.Arg430His)

Gene: FAT4 (FAT atypical cadherin 4; plus strand). Cytogenetic location: 4q28.1.
Variant type: single nucleotide variant.
Coding change: c.1289G>A on transcript NM_001291303.3 (MANE Select); coding-DNA position 1289, G replaced by A.
Protein change: p.Arg430His; replaces arginine 430 with histidine.
Molecular consequence: missense variant.
Genome position (GRCh38, 1-based): chr4:125,317,700, G>A. VCF-style: chr4-125317700-G-A. GRCh37 (hg19) VCF-style: chr4-126238855-G-A.
Other names: c.1289G>A, p.Arg430His (NM_001291285.3, NM_024582.6); c.1289G>A (NM_024582.5); short protein forms R430H.
Identifiers: ClinVar variation 1215545 (VCV001215545.10), dbSNP rs774644392, ClinGen allele CA3071955.